The following is an entry in ClinVar:

ClinVar aggregate classification (germline): Benign. Review status: criteria provided, multiple submitters, no conflicts (2 of 4 stars). 2 submissions from 2 submitters: Benign (2). Last evaluated 2018-01-12.

Conditions:
Oculotrichoanal syndrome (MOTA). Also called: MARLES SYNDROME; Manitoba Oculotrichoanal (MOTA) Syndrome. Identifiers: Orphanet 2717, MedGen C1855425, MONDO:0009560, OMIM 248450.

Allele frequency attached by ClinVar (database versions not stated): TOPMed 0.16386; gnomAD exomes 0.50000; gnomAD 0.16164 and 0.16750; 1000 Genomes Project 0.10883; 1000 Genomes Project 30x 0.11368.

Submissions (2):

Illumina Laboratory Services, Illumina
Classification: Benign for Oculotrichoanal syndrome. Last evaluated: 2018-01-12. Review status: criteria provided, single submitter. Criteria: ICSL Variant Classification Criteria 13 December 2019. Collection method: clinical testing. Allele origin: germline.
Comment: This variant was observed in the ICSL laboratory as part of a predisposition screen in an ostensibly healthy population. It had not been previously curated by ICSL or reported in the Human Gene Mutation Database (HGMD: prior to June 1st, 2018), and was therefore a candidate for classification through an automated scoring system. Utilizing variant allele frequency, disease prevalence and penetrance estimates, and inheritance mode, an automated score was calculated to assess if this variant is too frequent to cause the disease. Based on the score and internal cut-off values, a variant classified as benign is not then subjected to further curation. The score for this variant resulted in a classification of benign for this disease.

Breakthrough Genomics
Classification: Benign. Review status: criteria provided, single submitter. Criteria: ACMG Guidelines, 2015. Collection method: not provided. Allele origin: germline. Inheritance: Autosomal recessive inheritance. Affected: yes.

NM_144966.5(FREM1):c.*2378G>A

Gene: FREM1 (FRAS1 related extracellular matrix 1; minus strand). Cytogenetic location: 9p22.3.
Variant type: single nucleotide variant.
Coding change: c.*2378G>A on transcript NM_144966.5; 2378 bases downstream of the stop codon, G replaced by A.
Genome position (GRCh38, 1-based): chr9:14,735,018, C>T on the plus strand (G>A on the coding strand, the complement: FREM1 is on the minus strand). VCF-style: chr9-14735018-C-T. GRCh37 (hg19) VCF-style: chr9-14735016-C-T.
Identifiers: ClinVar variation 366055 (VCV000366055.8), dbSNP rs16932231, ClinGen allele CA10633140.
Genomic context (GRCh38, chr9:14,735,018, plus strand): 5'-TTGTTAAAGACCAAACAATCAGAAGATTCTGAAAAGCTAGACACTATTGAGCTGGACTGA[C>T]GCCCCTGGACACAGTGGGCCTTTTCCTGAGGTGGTATTGAAGTTTGGGGAGAAAAGCTGG-3'